The following is an entry in ClinVar:

NM_000059.4(BRCA2):c.1455del (p.Lys485fs)

Gene: BRCA2 (BRCA2 DNA repair associated; plus strand). Cytogenetic location: 13q13.1.
Variant type: Deletion.
Coding change: c.1455del on transcript NM_000059.4 (MANE Select); coding-DNA position 1455, one base deleted (G; older notation c.1455delG).
Protein change: p.Lys485fs; shifts the reading frame from lysine 485.
Molecular consequence: frameshift variant. On other transcripts: non-coding transcript variant (1), intron variant (1).
Genome position (GRCh38, 1-based): chr13:32,332,933, G deleted. VCF-style (leftmost placement, unchanged base first): chr13-32332932-AG-A. GRCh37 (hg19) VCF-style: chr13-32907069-AG-A.
Other names: c.424+1903del (NM_001406722.1); c.1455del, p.Lys485fs (NM_001406719.1, NM_001406720.1, NM_001406721.1 and 1 more transcripts); short protein forms K485fs.
Identifiers: ClinVar variation 4867868 (VCV004867868.1).

ClinVar aggregate classification (germline): Pathogenic (1 of 4 stars; one submission).

Conditions:
Hereditary cancer-predisposing syndrome. Also called: Neoplastic Syndromes, Hereditary; Tumor predisposition; Hereditary Cancer Syndrome; Hereditary neoplastic syndrome. Identifiers: Orphanet 140162, MedGen C0027672, MeSH D009386, MONDO:0015356.

Submission:

Ambry Genetics
Classification: Pathogenic for Hereditary cancer-predisposing syndrome. Last evaluated: 2026-05-28. Review status: criteria provided, single submitter. Criteria: Ambry Variant Classification Scheme 2023. Collection method: clinical testing. Allele origin: germline.
Comment: The c.1455delG pathogenic mutation, located in coding exon 9 of the BRCA2 gene, results from a deletion of one nucleotide at nucleotide position 1455, causing a translational frameshift with a predicted alternate stop codon (p.K485Nfs*24). This variant is considered to be rare based on population cohorts in the Genome Aggregation Database (gnomAD). This variant is expected to result in loss of function by premature protein truncation or nonsense-mediated mRNA decay. As such, this variant is interpreted as a disease-causing mutation.